The following is an entry in ClinVar:

NM_004525.3(LRP2):c.7402G>C (p.Ala2468Pro)

Gene: LRP2 (LDL receptor related protein 2; minus strand). Cytogenetic location: 2q31.1.
Variant type: single nucleotide variant.
Coding change: c.7402G>C on transcript NM_004525.3 (MANE Select); coding-DNA position 7402, G replaced by C.
Protein change: p.Ala2468Pro; replaces alanine 2468 with proline.
Molecular consequence: missense variant.
Genome position (GRCh38, 1-based): chr2:169,206,177, C>G on the plus strand (G>C on the coding strand, the complement: LRP2 is on the minus strand). VCF-style: chr2-169206177-C-G. GRCh37 (hg19) VCF-style: chr2-170062687-C-G.
Other names: short protein forms A2468P.
Identifiers: ClinVar variation 4748377 (VCV004748377.1).
Genomic context (GRCh38, chr2:169,206,177, plus strand): 5'-GGTTGAGGTAGTCACTGTAATAAATTCTTCTAGTAATCCAGTCAAAGGCAATGCCATCAG[C>G]AGTCCCTATACCTGGACACATACAGGCAGACACACACACAAGCACACACAAAGACATTAG-3'
Protein context (NP_004516.2, residues 2458-2478): PTVIASGIGT[Ala2468Pro]DGIAFDWITR

ClinVar aggregate classification (germline): Uncertain significance (1 of 4 stars; one submission).

gnomAD v4.1: 2 of 1,614,212 alleles (0.00012%); highest among the groups gnomAD compares: Middle Eastern, 0.016%; no homozygotes.

Submission:

Labcorp Genetics (formerly Invitae), Labcorp
Classification: Uncertain significance. Last evaluated: 2025-12-25. Review status: criteria provided, single submitter. Criteria: Invitae Variant Classification Sherloc (09022015). Collection method: clinical testing. Allele origin: germline.
Comment: This sequence change replaces alanine, which is neutral and non-polar, with proline, which is neutral and non-polar, at codon 2468 of the LRP2 protein (p.Ala2468Pro). This variant is not present in population databases (gnomAD no frequency). This variant has not been reported in the literature in individuals affected with LRP2-related conditions. Invitae Evidence Modeling of protein sequence and biophysical properties (such as structural, functional, and spatial information, amino acid conservation, physicochemical variation, residue mobility, and thermodynamic stability) indicates that this missense variant is not expected to disrupt LRP2 protein function with a negative predictive value of 95%. In summary, the available evidence is currently insufficient to determine the role of this variant in disease. Therefore, it has been classified as a Variant of Uncertain Significance.